The following is an entry in ClinVar:

ClinVar aggregate classification (germline): Uncertain significance (1 of 4 stars; one submission).

Conditions:
Cardiovascular phenotype. Identifiers: MedGen CN230736.

Submission:

Ambry Genetics
Classification: Uncertain significance for Cardiovascular phenotype. Last evaluated: 2022-05-21. Review status: criteria provided, single submitter. Criteria: Ambry Variant Classification Scheme 2023. Collection method: clinical testing. Allele origin: germline.
Comment: The p.E25K variant (also known as c.73G>A), located in coding exon 1 of the SCN10A gene, results from a G to A substitution at nucleotide position 73. The glutamic acid at codon 25 is replaced by lysine, an amino acid with similar properties. This amino acid position is conserved. In addition, the in silico prediction for this alteration is inconclusive. Since supporting evidence is limited at this time, the clinical significance of this alteration remains unclear.

NM_006514.4(SCN10A):c.73G>A (p.Glu25Lys)

Gene: SCN10A (sodium voltage-gated channel alpha subunit 10; minus strand). Cytogenetic location: 3p22.2.
Variant type: single nucleotide variant.
Coding change: c.73G>A on transcript NM_006514.4 (MANE Select); coding-DNA position 73, G replaced by A.
Protein change: p.Glu25Lys; replaces glutamic acid 25 with lysine.
Molecular consequence: missense variant.
Genome position (GRCh38, 1-based): chr3:38,793,938, C>T on the plus strand (G>A on the coding strand, the complement: SCN10A is on the minus strand). VCF-style: chr3-38793938-C-T. GRCh37 (hg19) VCF-style: chr3-38835429-C-T.
Other names: c.73G>A, p.Glu25Lys (NM_001293306.2, NM_001293307.2); short protein forms E25K.
Identifiers: ClinVar variation 1758725 (VCV001758725.2), dbSNP rs2470901875, ClinGen allele CA352163300.